The following is an entry in ClinVar:

NM_006080.3(SEMA3A):c.1765G>C (p.Glu589Gln)

Gene: SEMA3A (semaphorin 3A; minus strand). Cytogenetic location: 7q21.11.
Variant type: single nucleotide variant.
Coding change: c.1765G>C on transcript NM_006080.3 (MANE Select); coding-DNA position 1765, G replaced by C.
Protein change: p.Glu589Gln; replaces glutamic acid 589 with glutamine.
Molecular consequence: missense variant.
Genome position (GRCh38, 1-based): chr7:83,963,300, C>G on the plus strand (G>C on the coding strand, the complement: SEMA3A is on the minus strand). VCF-style: chr7-83963300-C-G. GRCh37 (hg19) VCF-style: chr7-83592616-C-G.
Other names: short protein forms E589Q.
Identifiers: ClinVar variation 2634103 (VCV002634103.2), dbSNP rs750562959, ClinGen allele CA4322621.
Genomic context (GRCh38, chr7:83,963,300, plus strand): 5'-GCCAATAGACCAGCGCTCTCTGCGACTTCGGACTGCATTCCAAAAATGTGCTACTATTCT[C>G]TACACCATAGATGATTCTCTCTTCAGGGCTGTGGCCATGGTGATTATCTGGCCAGTGATG-3'
Protein context (NP_006071.1, residues 579-599): SPEERIIYGV[Glu589Gln]NSSTFLECSP

ClinVar aggregate classification (germline): Uncertain significance (1 of 4 stars; one submission).

Conditions:
SEMA3A-related disorder. Also called: SEMA3A-related condition.

Allele frequency attached by ClinVar (database versions not stated): ExAC 0.00002; gnomAD exomes 0.00003.
gnomAD v4.1: 49 of 1,613,812 alleles (0.003%); highest among the groups gnomAD compares: Non-Finnish European, 0.0042%; no homozygotes.

Submission:

PreventionGenetics, part of Exact Sciences
Classification: Uncertain significance for SEMA3A-related condition. Last evaluated: 2025-11-19. Review status: criteria provided, single submitter. Criteria: ACMG Guidelines, 2015. Collection method: clinical testing. Allele origin: germline.
Comment: The SEMA3A c.1765G>C variant is predicted to result in the amino acid substitution p.Glu589Gln. To our knowledge, this variant has not been reported in the literature. This variant is reported in 0.0018% of alleles in individuals of European (non-Finnish) descent in gnomAD. At this time, the clinical significance of this variant is uncertain due to the absence of conclusive functional and genetic evidence.